The following is an entry in ClinVar:

ClinVar aggregate classification (germline): Uncertain significance. Review status: criteria provided, multiple submitters, no conflicts (2 of 4 stars). 3 submissions from 3 submitters: Uncertain significance (3). Last evaluated 2026-06-20.

Conditions:
SPAG1-related disorder. Also called: SPAG1-related condition.
Primary ciliary dyskinesia 28. Also called: CILIARY DYSKINESIA, PRIMARY, 28, WITH OR WITHOUT SITUS INVERSUS. Identifiers: Orphanet 244, MedGen C3809706, MONDO:0014216, OMIM 615505.
Primary ciliary dyskinesia. Also called: Ciliary dyskinesia. Identifiers: Orphanet 244, MedGen C0008780, MONDO:0016575, HP:0012265.

Allele frequency attached by ClinVar (database versions not stated): ExAC 0.00006; gnomAD 0.00013; TOPMed 0.00016; ESP Exome Variant Server 0.00031.
gnomAD v4.1: 56 of 1,613,772 alleles (0.0035%); highest among the groups gnomAD compares: African/African-American, 0.047%; no homozygotes.

Submissions (3):

PreventionGenetics, part of Exact Sciences
Classification: Uncertain significance for SPAG1-related condition. Last evaluated: 2026-06-20. Review status: criteria provided, single submitter. Criteria: ACMG Guidelines, 2015. Collection method: clinical testing. Allele origin: germline.
Comment: The SPAG1 c.1790C>T variant is predicted to result in the amino acid substitution p.Pro597Leu. To our knowledge, this variant has not been reported in the literature. This variant is reported in 0.044% of alleles in individuals of African descent in gnomAD. At this time, the clinical significance of this variant is uncertain due to the absence of conclusive functional and genetic evidence.

Ambry Genetics
Classification: Uncertain significance for Primary ciliary dyskinesia. Last evaluated: 2025-01-22. Review status: criteria provided, single submitter. Criteria: Ambry Variant Classification Scheme 2023. Collection method: clinical testing. Allele origin: germline.

Labcorp Genetics (formerly Invitae), Labcorp
Classification: Uncertain significance for Primary ciliary dyskinesia 28. Last evaluated: 2022-02-13. Review status: criteria provided, single submitter. Criteria: Invitae Variant Classification Sherloc (09022015). Collection method: clinical testing. Allele origin: germline.
Comment: This sequence change replaces proline, which is neutral and non-polar, with leucine, which is neutral and non-polar, at codon 597 of the SPAG1 protein (p.Pro597Leu). This variant is present in population databases (rs139376770, gnomAD 0.05%). This variant has not been reported in the literature in individuals affected with SPAG1-related conditions. Algorithms developed to predict the effect of missense changes on protein structure and function (SIFT, PolyPhen-2, Align-GVGD) all suggest that this variant is likely to be tolerated. In summary, the available evidence is currently insufficient to determine the role of this variant in disease. Therefore, it has been classified as a Variant of Uncertain Significance.

NM_003114.5(SPAG1):c.1790C>T (p.Pro597Leu)

Gene: SPAG1 (sperm associated antigen 1; plus strand). Cytogenetic location: 8q22.2.
Variant type: single nucleotide variant.
Coding change: c.1790C>T on transcript NM_003114.5 (MANE Select); coding-DNA position 1790, C replaced by T.
Protein change: p.Pro597Leu; replaces proline 597 with leucine.
Molecular consequence: missense variant.
Genome position (GRCh38, 1-based): chr8:100,225,274, C>T. VCF-style: chr8-100225274-C-T. GRCh37 (hg19) VCF-style: chr8-101237502-C-T.
Other names: c.1790C>T (NM_172218.2); c.1790C>T, p.Pro597Leu (NM_001374321.1, NM_172218.3); short protein forms P597L.
Identifiers: ClinVar variation 2153649 (VCV002153649.3), dbSNP rs139376770, ClinGen allele CA4827593.
Genomic context (GRCh38, chr8:100,225,274, plus strand): 5'-GGGAGAAGCTGTCACCTATTCCTGCTGTGCCTGCTTCTGTGCCACTGCAAGCTTGGCATC[C>T]GGCAAAAGAGATGATCTCAAAACAAGCAGGAGACTCCAGCAGCCATCGCCAGCAGGGCAT-3'
Protein context (NP_003105.2, residues 587-607): PASVPLQAWH[Pro597Leu]AKEMISKQAG